The following is an entry in ClinVar:

ClinVar aggregate classification (germline): Conflicting classifications of pathogenicity. Review status: criteria provided, conflicting classifications (1 of 4 stars). 7 submissions from 7 submitters: Uncertain significance (6); Likely benign (1). Last evaluated 2026-04-06.

Conditions:
Hereditary nonpolyposis colorectal neoplasms. Identifiers: MedGen C0009405, MeSH D003123.
Hereditary cancer-predisposing syndrome. Also called: Tumor predisposition; Hereditary Cancer Syndrome; Hereditary neoplastic syndrome; Neoplastic Syndromes, Hereditary. Identifiers: Orphanet 140162, MedGen C0027672, MeSH D009386, MONDO:0015356.
Lynch syndrome. Identifiers: Orphanet 144, MedGen C4552100, MONDO:0005835. Disease mechanism: loss of function.
Endometrial carcinoma. Also called: Endometrial carcinoma, somatic. Identifiers: MedGen C0476089, MONDO:0002447, OMIM 608089, HP:0012114.

Allele frequency attached by ClinVar (database versions not stated): gnomAD exomes below 0.00001.
gnomAD v4.1: 3 of 1,614,190 alleles (0.00019%); highest among the groups gnomAD compares: Non-Finnish European, 0.00025%; no homozygotes.

Submissions (7):

Ambry Genetics
Classification: Uncertain significance for Hereditary cancer-predisposing syndrome. Last evaluated: 2026-04-06. Review status: criteria provided, single submitter. Criteria: Ambry Variant Classification Scheme 2023. Collection method: clinical testing. Allele origin: germline.
Comment: The c.1586G>T (p.G529V) alteration is located in exon 4 (coding exon 4) of the MSH6 gene. This alteration results from a G to T substitution at nucleotide position 1586, causing the glycine (G) at amino acid position 529 to be replaced by a valine (V). Based on data from gnomAD, the T allele has an overall frequency of <0.001% (1/251358) total alleles studied. The highest observed frequency was 0.001% (1/113656) of European (non-Finnish) alleles. Based on insufficient or conflicting evidence, the clinical significance of this alteration remains unclear.

Labcorp Genetics (formerly Invitae), Labcorp
Classification: Likely benign for Hereditary nonpolyposis colorectal neoplasms. Last evaluated: 2025-12-17. Review status: criteria provided, single submitter. Criteria: Invitae Variant Classification Sherloc (09022015). Collection method: clinical testing. Allele origin: germline.

GeneDx
Classification: Uncertain significance. Last evaluated: 2024-05-24. Review status: criteria provided, single submitter. Criteria: GeneDx Variant Classification Process June 2021. Collection method: clinical testing. Allele origin: germline. Affected: yes.
Comment: Not observed at significant frequency in large population cohorts (gnomAD); In silico analysis supports that this missense variant has a deleterious effect on protein structure/function; Has not been previously published as pathogenic or benign to our knowledge; This variant is associated with the following publications: (PMID: 17531815, 21120944)

Color Diagnostics, LLC DBA Color Health
Classification: Uncertain significance for Hereditary cancer-predisposing syndrome. Last evaluated: 2024-03-06. Review status: criteria provided, single submitter. Criteria: ACMG Guidelines, 2015. Collection method: clinical testing. Allele origin: germline.
Comment: This missense variant replaces glycine with valine at codon 529 of the MSH6 protein. Computational prediction is inconclusive regarding the impact of this variant on protein structure and function (internally defined REVEL score threshold 0.5 < inconclusive < 0.7, PMID: 27666373). To our knowledge, functional studies have not been reported for this variant. This variant has not been reported in individuals affected with MSH6-related disorders in the literature. This variant has been identified in 1/251358 chromosomes in the general population by the Genome Aggregation Database (gnomAD). The available evidence is insufficient to determine the role of this variant in disease conclusively. Therefore, this variant is classified as a Variant of Uncertain Significance.

Baylor Genetics
Classification: Uncertain significance for Endometrial carcinoma. Last evaluated: 2024-02-27. Review status: criteria provided, single submitter. Criteria: ACMG Guidelines, 2015. Collection method: clinical testing. Allele origin: unknown.

All of Us Research Program, National Institutes of Health
Classification: Uncertain significance for Lynch syndrome. Last evaluated: 2023-12-18. Review status: criteria provided, single submitter. Criteria: ACMG Guidelines, 2015. Collection method: clinical testing. Allele origin: germline. Inheritance: Autosomal dominant inheritance. Observed: 4 variant alleles, 4 heterozygotes.
Comment: This missense variant replaces glycine with valine at codon 529 of the MSH6 protein. Computational prediction is inconclusive regarding the impact of this variant on protein structure and function (internally defined REVEL score threshold 0.5 < inconclusive < 0.7, PMID: 27666373). To our knowledge, functional studies have not been reported for this variant. This variant has not been reported in individuals affected with MSH6-related disorders in the literature. This variant has been identified in 1/251358 chromosomes in the general population by the Genome Aggregation Database (gnomAD). The available evidence is insufficient to determine the role of this variant in disease conclusively. Therefore, this variant is classified as a Variant of Uncertain Significance.

This study involves interpretation of variants in research participants for the purpose of population health screening. Participant phenotype was not available at the time of variant classification. Additional details can be found in publication PMID: 35346344, PMCID: PMC8962531

Sema4
Classification: Uncertain significance for Hereditary cancer-predisposing syndrome. Last evaluated: 2021-06-03. Review status: criteria provided, single submitter. Criteria: Sema4 Curation Guidelines. Collection method: curation. Allele origin: germline.
Comment: The MSH6 c.1586G>T (p.G529V) variant has not been reported in the literature to our knowledge. It was observed in 1/113656 chromosomes of the Non-Finnish European subpopulation in the large and broad cohorts of the Genome Aggregation Database (PMID: 32461654). The variant has been reported in ClinVar (Variation ID 185151). In silico tools suggest the impact of the variant on protein function is inconclusive, though these predictions have not been confirmed by functional studies. The evidence is insufficient to meet ACMG/AMP criteria for classifying the variant as benign or pathogenic. Thus, the clinical significance of this variant is currently uncertain.

NM_000179.3(MSH6):c.1586G>T (p.Gly529Val)

Gene: MSH6 (mutS homolog 6; plus strand). Cytogenetic location: 2p16.3.
Variant type: single nucleotide variant.
Coding change: c.1586G>T on transcript NM_000179.3 (MANE Select); coding-DNA position 1586, G replaced by T.
Protein change: p.Gly529Val; replaces glycine 529 with valine.
Molecular consequence: missense variant.
Genome position (GRCh38, 1-based): chr2:47,799,569, G>T. VCF-style: chr2-47799569-G-T. GRCh37 (hg19) VCF-style: chr2-48026708-G-T.
Other names: c.1196G>T, p.Gly399Val (NM_001281492.2); c.680G>T, p.Gly227Val (NM_001281493.2, NM_001281494.2); short protein forms G529V, G227V, G399V.
Identifiers: ClinVar variation 185151 (VCV000185151.29), dbSNP rs786201964, ClinGen allele CA008825.